The following is an entry in ClinVar:

ClinVar aggregate classification (germline): Uncertain significance (1 of 4 stars; one submission).

gnomAD v4.1: 1 of 1,613,960 alleles (0.000062%); highest among the groups gnomAD compares: Non-Finnish European, 0.000085%; no homozygotes.

Submission:

Labcorp Genetics (formerly Invitae), Labcorp
Classification: Uncertain significance. Last evaluated: 2022-03-03. Review status: criteria provided, single submitter. Criteria: Invitae Variant Classification Sherloc (09022015). Collection method: clinical testing. Allele origin: germline.
Comment: In summary, the available evidence is currently insufficient to determine the role of this variant in disease. Therefore, it has been classified as a Variant of Uncertain Significance. Algorithms developed to predict the effect of sequence changes on RNA splicing suggest that this variant may create or strengthen a splice site. This variant has not been reported in the literature in individuals affected with EXOSC2-related conditions. This variant is not present in population databases (gnomAD no frequency). This sequence change creates a premature translational stop signal (p.Ser243*) in the EXOSC2 gene. It is expected to result in an absent or disrupted protein product. However, the current clinical and genetic evidence is not sufficient to establish whether loss-of-function variants in EXOSC2 cause disease.

NM_014285.7(EXOSC2):c.728C>A (p.Ser243Ter)

Gene: EXOSC2 (exosome component 2; plus strand). Cytogenetic location: 9q34.12.
Variant type: single nucleotide variant.
Coding change: c.728C>A on transcript NM_014285.7 (MANE Select); coding-DNA position 728, C replaced by A.
Protein change: p.Ser243Ter; replaces serine 243 with a stop codon.
Molecular consequence: nonsense. On other transcripts: non-coding transcript variant (1).
Genome position (GRCh38, 1-based): chr9:130,703,108, C>A. VCF-style: chr9-130703108-C-A. GRCh37 (hg19) VCF-style: chr9-133578495-C-A.
Other names: c.650C>A, p.Ser217Ter (NM_001282708.1); c.638C>A, p.Ser213Ter (NM_001282709.1); short protein forms S213*, S217*, S243*.
Identifiers: ClinVar variation 1390307 (VCV001390307.6), dbSNP rs771988501, ClinGen allele CA375248289.